The following is an entry in ClinVar:

ClinVar aggregate classification (germline): Uncertain significance. Review status: criteria provided, multiple submitters, no conflicts (2 of 4 stars). 2 submissions from 2 submitters: Uncertain significance (2). Last evaluated 2026-01-22.

Conditions:
Hereditary cancer-predisposing syndrome. Also called: Tumor predisposition; Neoplastic Syndromes, Hereditary; Hereditary Cancer Syndrome; Hereditary neoplastic syndrome. Identifiers: Orphanet 140162, MedGen C0027672, MeSH D009386, MONDO:0015356.
Ataxia-telangiectasia syndrome (AT). Also called: ATAXIA-TELANGIECTASIA, COMPLEMENTATION GROUP A; ATAXIA-TELANGIECTASIA, FRESNO VARIANT; Ataxia-telangiectasia; Ataxia-telangiectasia, complementation group D; AT, COMPLEMENTATION GROUP C; Ataxia-telangiectasia, complementation group E. Identifiers: Orphanet 100, MedGen C0004135, MONDO:0008840, OMIM 208900.

Submissions (2):

Labcorp Genetics (formerly Invitae), Labcorp
Classification: Uncertain significance for Ataxia-telangiectasia syndrome. Last evaluated: 2026-01-22. Review status: criteria provided, single submitter. Criteria: Invitae Variant Classification Sherloc (09022015). Collection method: clinical testing. Allele origin: germline.
Comment: This sequence change falls in intron 21 of the ATM gene. It does not directly change the encoded amino acid sequence of the ATM protein. It affects a nucleotide within the consensus splice site. This variant is not present in population databases (gnomAD no frequency). This variant has not been reported in the literature in individuals affected with ATM-related conditions. ClinVar contains an entry for this variant (Variation ID: 823008). Variants that disrupt the consensus splice site are a relatively common cause of aberrant splicing (PMID: 17576681, 9536098). Algorithms developed to predict the effect of sequence changes on RNA splicing suggest that this variant may disrupt the consensus splice site. In summary, the available evidence is currently insufficient to determine the role of this variant in disease. Therefore, it has been classified as a Variant of Uncertain Significance.

Ambry Genetics
Classification: Uncertain significance for Hereditary cancer-predisposing syndrome. Last evaluated: 2025-01-19. Review status: criteria provided, single submitter. Criteria: Ambry Variant Classification Scheme 2023. Collection method: clinical testing. Allele origin: germline.
Comment: The c.3153+5G>A intronic variant results from a G to A substitution 5 nucleotides after coding exon 20 in the ATM gene. This nucleotide position is highly conserved in available vertebrate species. In silico splice site analysis predicts that this alteration will weaken the native splice donor site. Based on the available evidence, the clinical significance of this variant remains unclear.

Literature cited by the submitters: PubMed 17576681 (cited by Labcorp Genetics (formerly Invitae), Labcorp); PubMed 9536098 (cited by Labcorp Genetics (formerly Invitae), Labcorp).

NM_000051.4(ATM):c.3153+5G>A

Gene: ATM (ATM serine/threonine kinase; plus strand). Cytogenetic location: 11q22.3.
Variant type: single nucleotide variant.
Coding change: c.3153+5G>A on transcript NM_000051.4 (MANE Select); 5 bases into the intron after coding-DNA position 3153, G replaced by A.
Molecular consequence: intron variant.
Genome position (GRCh38, 1-based): chr11:108,272,612, G>A. VCF-style: chr11-108272612-G-A. GRCh37 (hg19) VCF-style: chr11-108143339-G-A.
Other names: c.3153+5G>A (NM_001351834.2).
Identifiers: ClinVar variation 823008 (VCV000823008.10), dbSNP rs1591608756, ClinGen allele CA915948376.